The following is an entry in ClinVar:

NM_003906.5(MCM3AP):c.1264A>G (p.Ser422Gly)

Gene: MCM3AP (minichromosome maintenance complex component 3 associated protein; minus strand). Cytogenetic location: 21q22.3.
Variant type: single nucleotide variant.
Coding change: c.1264A>G on transcript NM_003906.5 (MANE Select); coding-DNA position 1264, A replaced by G.
Protein change: p.Ser422Gly; replaces serine 422 with glycine.
Molecular consequence: missense variant.
Genome position (GRCh38, 1-based): chr21:46,283,794, T>C on the plus strand (A>G on the coding strand, the complement: MCM3AP is on the minus strand). VCF-style: chr21-46283794-T-C. GRCh37 (hg19) VCF-style: chr21-47703708-T-C.
Other names: short protein forms S422G.
Identifiers: ClinVar variation 1392080 (VCV001392080.3), dbSNP rs754209676, ClinGen allele CA10077131.

ClinVar aggregate classification (germline): Uncertain significance (1 of 4 stars; one submission).

Allele frequency attached by ClinVar (database versions not stated): gnomAD exomes 0.00003 and 0.00004; gnomAD 0.00004; TOPMed 0.00004; ExAC 0.00007.
gnomAD v4.1: 50 of 1,613,964 alleles (0.0031%); highest among the groups gnomAD compares: Non-Finnish European, 0.0041%; no homozygotes.

Submission:

Labcorp Genetics (formerly Invitae), Labcorp
Classification: Uncertain significance. Last evaluated: 2022-02-22. Review status: criteria provided, single submitter. Criteria: Invitae Variant Classification Sherloc (09022015). Collection method: clinical testing. Allele origin: germline.
Comment: This sequence change replaces serine, which is neutral and polar, with glycine, which is neutral and non-polar, at codon 422 of the MCM3AP protein (p.Ser422Gly). This variant is present in population databases (rs754209676, gnomAD 0.007%). This variant has not been reported in the literature in individuals affected with MCM3AP-related conditions. Algorithms developed to predict the effect of missense changes on protein structure and function are either unavailable or do not agree on the potential impact of this missense change (SIFT: "Deleterious"; PolyPhen-2: "Benign"; Align-GVGD: "Class C0"). In summary, the available evidence is currently insufficient to determine the role of this variant in disease. Therefore, it has been classified as a Variant of Uncertain Significance.